The following is an entry in ClinVar:

NM_030962.4(SBF2):c.745A>G (p.Lys249Glu)

Gene: SBF2 (SET binding factor 2; minus strand). Cytogenetic location: 11p15.4.
Variant type: single nucleotide variant.
Coding change: c.745A>G on transcript NM_030962.4 (MANE Select); coding-DNA position 745, A replaced by G.
Protein change: p.Lys249Glu; replaces lysine 249 with glutamic acid.
Molecular consequence: missense variant.
Genome position (GRCh38, 1-based): chr11:10,002,564, T>C on the plus strand (A>G on the coding strand, the complement: SBF2 is on the minus strand). VCF-style: chr11-10002564-T-C. GRCh37 (hg19) VCF-style: chr11-10024111-T-C.
Other names: c.745A>G, p.Lys249Glu (NM_001386339.1, NM_001386342.1); short protein forms K249E.
Identifiers: ClinVar variation 1717368 (VCV001717368.6), dbSNP rs2496189489, ClinGen allele CA379643312.

ClinVar aggregate classification (germline): Uncertain significance (1 of 4 stars; one submission).

Conditions:
Charcot-Marie-Tooth disease type 4. Also called: Charcot-Marie-Tooth disease, type IV; Charcot-Marie-Tooth, Type 4. Identifiers: Orphanet 64749, MedGen C4082197, MONDO:0018995.

Submission:

Labcorp Genetics (formerly Invitae), Labcorp
Classification: Uncertain significance for Charcot-Marie-Tooth disease type 4. Last evaluated: 2022-08-21. Review status: criteria provided, single submitter. Criteria: Invitae Variant Classification Sherloc (09022015). Collection method: clinical testing. Allele origin: germline.
Comment: In summary, the available evidence is currently insufficient to determine the role of this variant in disease. Therefore, it has been classified as a Variant of Uncertain Significance. Algorithms developed to predict the effect of missense changes on protein structure and function are either unavailable or do not agree on the potential impact of this missense change (SIFT: "Tolerated"; PolyPhen-2: "Possibly Damaging"; Align-GVGD: "Class C0"). This variant has not been reported in the literature in individuals affected with SBF2-related conditions. This variant is not present in population databases (gnomAD no frequency). This sequence change replaces lysine, which is basic and polar, with glutamic acid, which is acidic and polar, at codon 249 of the SBF2 protein (p.Lys249Glu).